The following is an entry in ClinVar:

NM_182641.4(BPTF):c.1571G>A (p.Arg524His)

Gene: BPTF (bromodomain PHD finger transcription factor; plus strand). Cytogenetic location: 17q24.2.
Variant type: single nucleotide variant.
Coding change: c.1571G>A on transcript NM_182641.4 (MANE Select); coding-DNA position 1571, G replaced by A.
Protein change: p.Arg524His; replaces arginine 524 with histidine.
Molecular consequence: missense variant.
Genome position (GRCh38, 1-based): chr17:67,866,598, G>A. VCF-style: chr17-67866598-G-A. GRCh37 (hg19) VCF-style: chr17-65862714-G-A.
Other names: c.1571G>A, p.Arg524His (NM_004459.7); short protein forms R524H.
Identifiers: ClinVar variation 2413957 (VCV002413957.6), dbSNP rs542357232, ClinGen allele CA8725158.

ClinVar aggregate classification (germline): Uncertain significance (1 of 4 stars; one submission).

Allele frequency attached by ClinVar (database versions not stated): ExAC 0.00003; gnomAD 0.00003; TOPMed 0.00003; gnomAD exomes 0.00009.
gnomAD v4.1: 133 of 1,613,976 alleles (0.0082%); highest among the groups gnomAD compares: Non-Finnish European, 0.0098%; no homozygotes.

Submission:

Labcorp Genetics (formerly Invitae), Labcorp
Classification: Uncertain significance. Last evaluated: 2025-08-12. Review status: criteria provided, single submitter. Criteria: Invitae Variant Classification Sherloc (09022015). Collection method: clinical testing. Allele origin: germline.
Comment: This sequence change replaces arginine, which is basic and polar, with histidine, which is basic and polar, at codon 524 of the BPTF protein (p.Arg524His). This variant is present in population databases (rs542357232, gnomAD 0.008%). This variant has not been reported in the literature in individuals affected with BPTF-related conditions. ClinVar contains an entry for this variant (Variation ID: 2413957). An algorithm developed to predict the effect of missense changes on protein structure and function (PolyPhen-2) suggests that this variant is likely to be disruptive. In summary, the available evidence is currently insufficient to determine the role of this variant in disease. Therefore, it has been classified as a Variant of Uncertain Significance.